The following is an entry in ClinVar:

ClinVar aggregate classification (germline): Uncertain significance (1 of 4 stars; one submission).

Conditions:
Hereditary spastic paraplegia 11. Also called: Nakamura Osame syndrome; Autosomal recessive hereditary spastic paraplegia, mental impairment, and thin corpus callosum; SPASTIC PARAPLEGIA, AUTOSOMAL RECESSIVE, COMPLICATED, WITH THIN CORPUS CALLOSUM; SPASTIC PARAPLEGIA, AUTOSOMAL RECESSIVE, WITH MENTAL IMPAIRMENT AND THIN CORPUS CALLOSUM; Spastic Paraplegia 11; Spastic paraplegia, mental retardation and thin corpus callosum. Identifiers: Orphanet 2822, MedGen C1858479, MONDO:0011445, OMIM 604360.

Allele frequency attached by ClinVar (database versions not stated): ExAC 0.00001.
gnomAD v4.1: 2 of 1,614,108 alleles (0.00012%); highest among the groups gnomAD compares: South Asian, 0.0022%; no homozygotes.

Submission:

Labcorp Genetics (formerly Invitae), Labcorp
Classification: Uncertain significance for Hereditary spastic paraplegia 11. Last evaluated: 2022-01-13. Review status: criteria provided, single submitter. Criteria: Invitae Variant Classification Sherloc (09022015). Collection method: clinical testing. Allele origin: germline.
Comment: In summary, the available evidence is currently insufficient to determine the role of this variant in disease. Therefore, it has been classified as a Variant of Uncertain Significance. Algorithms developed to predict the effect of missense changes on protein structure and function are either unavailable or do not agree on the potential impact of this missense change (SIFT: "Deleterious"; PolyPhen-2: "Probably Damaging"; Align-GVGD: "Class C0"). This variant has not been reported in the literature in individuals affected with SPG11-related conditions. This variant is present in population databases (rs767041626, gnomAD 0.003%). This sequence change replaces isoleucine, which is neutral and non-polar, with threonine, which is neutral and polar, at codon 1661 of the SPG11 protein (p.Ile1661Thr).

NM_025137.4(SPG11):c.4982T>C (p.Ile1661Thr)

Gene: SPG11 (SPG11 vesicle trafficking associated, spatacsin; minus strand). Cytogenetic location: 15q21.1.
Variant type: single nucleotide variant.
Coding change: c.4982T>C on transcript NM_025137.4 (MANE Select); coding-DNA position 4982, T replaced by C.
Protein change: p.Ile1661Thr; replaces isoleucine 1661 with threonine.
Molecular consequence: missense variant.
Genome position (GRCh38, 1-based): chr15:44,585,775, A>G on the plus strand (T>C on the coding strand, the complement: SPG11 is on the minus strand). VCF-style: chr15-44585775-A-G. GRCh37 (hg19) VCF-style: chr15-44877973-A-G.
Other names: c.4982T>C, p.Ile1661Thr (NM_001160227.2, NM_001411132.1); short protein forms I1661T.
Identifiers: ClinVar variation 2082171 (VCV002082171.2), dbSNP rs767041626, ClinGen allele CA7534518.